The following is an entry in ClinVar:

ClinVar aggregate classification (germline): Conflicting classifications of pathogenicity. Review status: criteria provided, conflicting classifications (1 of 4 stars). 3 submissions from 3 submitters: Uncertain significance (2); Benign (1). Last evaluated 2024-10-09.

Conditions:
Usher syndrome type 2C. Also called: Usher syndrome, type 2B; USHER SYNDROME, TYPE IIC. Identifiers: Orphanet 231178, Orphanet 886, MedGen C2931213, MONDO:0011558, OMIM 605472.

Allele frequency attached by ClinVar (database versions not stated): TOPMed 0.00002; gnomAD exomes 0.00003; ExAC 0.00005; 1000 Genomes Project 30x 0.00016; 1000 Genomes Project 0.00020.
gnomAD v4.1: 50 of 1,612,500 alleles (0.0031%); highest among the groups gnomAD compares: East Asian, 0.1%; no homozygotes.

Submissions (3):

Labcorp Genetics (formerly Invitae), Labcorp
Classification: Benign. Last evaluated: 2024-10-09. Review status: criteria provided, single submitter. Criteria: Invitae Variant Classification Sherloc (09022015). Collection method: clinical testing. Allele origin: germline.

Women's Health and Genetics/Laboratory Corporation of America, LabCorp
Classification: Uncertain significance. Last evaluated: 2024-07-17. Review status: criteria provided, single submitter. Criteria: LabCorp Variant Classification Summary - May 2015. Collection method: clinical testing. Allele origin: germline.
Comment: Variant summary: ADGRV1 c.2039A>G (p.Asp680Gly) results in a non-conservative amino acid change located in the Na-Ca exchanger/integrin-beta4 domain (IPR003644) of the encoded protein sequence. Four of five in-silico tools predict a damaging effect of the variant on protein function. The variant allele was found at a frequency of 2.8e-05 in 247616 control chromosomes. The available data on variant occurrences in the general population are insufficient to allow any conclusion about variant significance. hearing loss and febrile seizures (Miyagawa_2013, Han_2020). These report(s) do not provide unequivocal conclusions about association of the variant with Usher Syndrome. To our knowledge, no experimental evidence demonstrating an impact on protein function has been reported. The following publications have been ascertained in the context of this evaluation (PMID: 23967202, 32962041). ClinVar contains an entry for this variant (Variation ID: 905573). Based on the evidence outlined above, the variant was classified as uncertain significance.

Illumina Laboratory Services, Illumina
Classification: Uncertain significance for Usher syndrome type 2C. Last evaluated: 2017-04-28. Review status: criteria provided, single submitter. Criteria: ICSL Variant Classification Criteria 13 December 2019. Collection method: clinical testing. Allele origin: germline.
Comment: This variant was observed as part of a predisposition screen in an ostensibly healthy population. A literature search was performed for the gene, cDNA change, and amino acid change (where applicable). Publications were found based on this search. However, the evidence from the literature, in combination with allele frequency data from public databases where available, was not sufficient to rule this variant in or out of causing disease. Therefore, this variant is classified as a variant of unknown significance.

Literature cited by the submitters: PubMed 23967202 (cited by Women's Health and Genetics/Laboratory Corporation of America, LabCorp and Illumina Laboratory Services, Illumina); PubMed 32962041 (cited by Women's Health and Genetics/Laboratory Corporation of America, LabCorp).

NM_032119.4(ADGRV1):c.2039A>G (p.Asp680Gly)

Gene: ADGRV1 (adhesion G protein-coupled receptor V1; plus strand). Cytogenetic location: 5q14.3.
Variant type: single nucleotide variant.
Coding change: c.2039A>G on transcript NM_032119.4 (MANE Select); coding-DNA position 2039, A replaced by G.
Protein change: p.Asp680Gly; replaces aspartic acid 680 with glycine.
Molecular consequence: missense variant. On other transcripts: non-coding transcript variant (1).
Genome position (GRCh38, 1-based): chr5:90,637,747, A>G. VCF-style: chr5-90637747-A-G. GRCh37 (hg19) VCF-style: chr5-89933564-A-G.
Other names: short protein forms D680G.
Identifiers: ClinVar variation 905573 (VCV000905573.10), dbSNP rs547076322, ClinGen allele CA3338821.